The following is an entry in ClinVar:

ClinVar aggregate classification (germline): Uncertain significance (0 of 4 stars; one submission).

Conditions:
PKD1-related disorder. Also called: PKD1-related condition.

Submission:

PreventionGenetics, part of Exact Sciences
Classification: Uncertain significance for PKD1-related condition. Last evaluated: 2024-03-29. Review status: no assertion criteria provided. Collection method: clinical testing. Allele origin: germline.
Comment: The PKD1 c.3752C>G variant is predicted to result in the amino acid substitution p.Thr1251Ser. To our knowledge, this variant has not been reported in the literature or in a large population database, indicating this variant is rare. At this time, the clinical significance of this variant is uncertain due to the absence of conclusive functional and genetic evidence.

NM_001009944.3(PKD1):c.3752C>G (p.Thr1251Ser)

Gene: PKD1 (polycystin 1, transient receptor potential channel interacting; minus strand). Cytogenetic location: 16p13.3.
Variant type: single nucleotide variant.
Coding change: c.3752C>G on transcript NM_001009944.3 (MANE Select); coding-DNA position 3752, C replaced by G.
Protein change: p.Thr1251Ser; replaces threonine 1251 with serine.
Molecular consequence: missense variant.
Genome position (GRCh38, 1-based): chr16:2,111,415, G>C on the plus strand (C>G on the coding strand, the complement: PKD1 is on the minus strand). VCF-style: chr16-2111415-G-C. GRCh37 (hg19) VCF-style: chr16-2161416-G-C.
Other names: c.3752C>G, p.Thr1251Ser (NM_000296.4); short protein forms T1251S.
Identifiers: ClinVar variation 3348823 (VCV003348823.1).